The following is an entry in ClinVar:

ClinVar aggregate classification (germline): Uncertain significance (1 of 4 stars; one submission).

Allele frequency attached by ClinVar (database versions not stated): gnomAD exomes 0.00003; TOPMed 0.00002; ExAC 0.00003.
gnomAD v4.1: 5 of 1,600,832 alleles (0.00031%); highest among the groups gnomAD compares: Admixed American, 0.0087%; no homozygotes.

Submission:

GeneDx
Classification: Uncertain significance. Last evaluated: 2018-02-05. Review status: criteria provided, single submitter. Criteria: GeneDx Variant Classification (06012015). Collection method: clinical testing. Allele origin: germline. Affected: yes.
Comment: The c.1 A>T variant in the SPATA5L1 gene has not been reported previously as a pathogenic variant nor as a benign variant, to our knowledge. This variant is observed in 5/30716 (0.0163%) alleles from individuals of Latino background, and 6/233090 total alleles in large population cohorts (Lek et al., 2016). As this variant changes the translation initiator Methionine codon, the resultant protein is described as p.Met1?, using a question mark to signify that it is not known if the loss of Met1 means that all protein translation is completely prevented or if an abnormal protein is produced using an alternate Methionine. We interpret c.1 A>T as a variant of uncertain significance.

NM_024063.3(AFG2B):c.1A>T (p.Met1Leu)

Genes: AFG2B (AFG2 AAA ATPase homolog B; plus strand), LOC130056996 (ATAC-STARR-seq lymphoblastoid active region 9360; plus strand). Cytogenetic location: 15q21.1.
Variant type: single nucleotide variant.
Coding change: c.1A>T on transcript NM_024063.3 (MANE Select); coding-DNA position 1, A replaced by T.
Protein change: p.Met1Leu; changes the start codon (methionine 1).
Molecular consequence: missense variant, initiator codon variant. On other transcripts: non-coding transcript variant (5).
Genome position (GRCh38, 1-based): chr15:45,402,430, A>T. VCF-style: chr15-45402430-A-T. GRCh37 (hg19) VCF-style: chr15-45694628-A-T.
Other names: c.1A>T, p.Met1Leu (NM_001323640.2); short protein forms M1L.
Identifiers: ClinVar variation 504204 (VCV000504204.3), dbSNP rs751354951, ClinGen allele CA7543064.